The following is an entry in ClinVar:

ClinVar aggregate classification (germline): Uncertain significance (1 of 4 stars; one submission).

Conditions:
Familial cancer of breast. Also called: BREAST CANCER, FAMILIAL; hereditary breast carcinoma; Hereditary breast cancer. Identifiers: Orphanet 227535, MedGen C0346153, MONDO:0016419, OMIM 114480. Disease mechanism: loss of function.

Submission:

Labcorp Genetics (formerly Invitae), Labcorp
Classification: Uncertain significance for Familial cancer of breast. Last evaluated: 2021-12-11. Review status: criteria provided, single submitter. Criteria: Invitae Variant Classification Sherloc (09022015). Collection method: clinical testing. Allele origin: germline.
Comment: In summary, the available evidence is currently insufficient to determine the role of this variant in disease. Therefore, it has been classified as a Variant of Uncertain Significance. Experimental studies and prediction algorithms are not available or were not evaluated, and the functional significance of this variant is currently unknown. This variant has not been reported in the literature in individuals affected with CHEK2-related conditions. This variant is not present in population databases (gnomAD no frequency). This variant, c.573_578del, results in the deletion of 2 amino acid(s) of the CHEK2 protein (p.Leu193_Ser194del), but otherwise preserves the integrity of the reading frame.

NM_007194.4(CHEK2):c.573_578del (p.191LS[1])

Gene: CHEK2 (checkpoint kinase 2; minus strand). Cytogenetic location: 22q12.1.
Variant type: Deletion.
Coding change: c.573_578del on transcript NM_007194.4 (MANE Select); coding-DNA positions 573 to 578, 6 bases deleted (GTCACT; older notation c.573_578delGTCACT).
Protein change: p.191LS[1].
Molecular consequence: inframe deletion. On other transcripts: intron variant (1), 5 prime UTR variant (2).
Genome position (GRCh38, 1-based): chr22:28,724,991-28,724,996, AGTGAC deleted on the plus strand (GTCACT on the coding strand, the reverse complement: CHEK2 is on the minus strand); deleting any 6 consecutive bases within chr22:28,724,991-28,725,000 gives the same sequence; the c. name uses the placement nearest the transcript's 3' end. VCF-style (leftmost placement, unchanged base first): chr22-28724990-TAGTGAC-T. GRCh37 (hg19) VCF-style: chr22-29120978-TAGTGAC-T.
Other names: c.573_578del, p.191LS[1] (NM_145862.3); c.445-73_445-68del (NM_001349956.3); c.702_707del, p.234LS[1] (NM_001005735.3, NM_001438294.1); c.-205_-200del (NM_001257387.3); c.-91_-86del (NM_001437942.1); c.666_671del, p.222LS[1] (NM_001438293.1, NM_001438295.1).
Identifiers: ClinVar variation 2039787 (VCV002039787.4), dbSNP rs2518050527, ClinGen allele CA2580099410.
Genomic context (GRCh38, chr22:28,724,990, plus strand): 5'-GAGAGTGGAAAAAAAAAATTCCAGTAACCATAAGATAATAATATTACCTTTATTTCTGCT[TAGTGAC>T]AGTGCAATTTCAGAATTGTTATTCAAAGGACGGCGTTTTCCTTTCCCTACAAGCTCTGTA-3'